The following is an entry in ClinVar:

ClinVar aggregate classification (germline): Uncertain significance (1 of 4 stars; one submission).

Conditions:
Inborn genetic diseases. Identifiers: MedGen C0950123, MeSH D030342.

Submission:

Ambry Genetics
Classification: Uncertain significance for Inborn genetic diseases. Last evaluated: 2025-05-09. Review status: criteria provided, single submitter. Criteria: Ambry Variant Classification Scheme 2023. Collection method: clinical testing. Allele origin: germline.
Comment: The p.I348L variant (also known as c.1042A>C), located in coding exon 12 of the RTEL1 gene, results from an A to C substitution at nucleotide position 1042. The isoleucine at codon 348 is replaced by leucine, an amino acid with highly similar properties. This amino acid position is conserved. In addition, the in silico prediction for this alteration is inconclusive. Based on the available evidence, the clinical significance of this variant remains unclear.

NM_001283009.2(RTEL1):c.1042A>C (p.Ile348Leu)

Genes: RTEL1 (regulator of telomere elongation helicase 1; plus strand), RTEL1-TNFRSF6B (RTEL1-TNFRSF6B readthrough (NMD candidate); plus strand). Cytogenetic location: 20q13.33.
Variant type: single nucleotide variant.
Coding change: c.1042A>C on transcript NM_001283009.2 (MANE Select); coding-DNA position 1042, A replaced by C.
Protein change: p.Ile348Leu; replaces isoleucine 348 with leucine.
Molecular consequence: missense variant. On other transcripts: non-coding transcript variant (1).
Genome position (GRCh38, 1-based): chr20:63,679,853, A>C. VCF-style: chr20-63679853-A-C. GRCh37 (hg19) VCF-style: chr20-62311206-A-C.
Other names: c.373A>C, p.Ile125Leu (NM_001283010.1); c.1042A>C, p.Ile348Leu (NM_016434.4); c.1114A>C, p.Ile372Leu (NM_032957.5); short protein forms I348L, I372L, I125L.
Identifiers: ClinVar variation 3948382 (VCV003948382.1).
Genomic context (GRCh38, chr20:63,679,853, plus strand): 5'-AAAGCTGCAGTCTGGTCCCCCCGCCAGGCTCGAGCCTGCCTTCTTCTCCTCGGCAGCTAC[A>C]TCTTTGAGCTGTTTGCTGAAGCCCAGATCACGTTTCAGACCAAGGGCTGCATCCTGGACT-3'
Protein context (NP_001269938.1, residues 338-358): DSGVTKPGSY[Ile348Leu]FELFAEAQIT